The following is an entry in ClinVar:

NM_001374736.1(DST):c.4480C>T (p.Arg1494Trp)

Gene: DST (dystonin; minus strand). Cytogenetic location: 6p12.1.
Variant type: single nucleotide variant.
Coding change: c.4480C>T on transcript NM_001374736.1 (MANE Select); coding-DNA position 4480, C replaced by T.
Protein change: p.Arg1494Trp; replaces arginine 1494 with tryptophan.
Molecular consequence: missense variant.
Genome position (GRCh38, 1-based): chr6:56,628,157, G>A on the plus strand (C>T on the coding strand, the complement: DST is on the minus strand). VCF-style: chr6-56628157-G-A. GRCh37 (hg19) VCF-style: chr6-56492955-G-A.
Other names: c.4381C>T, p.Arg1461Trp (NM_001144769.5); c.3967C>T, p.Arg1323Trp (NM_001144770.2); c.4480C>T, p.Arg1494Trp (NM_001374722.1); c.3847C>T, p.Arg1283Trp (NM_001374729.1, NM_001374730.1, NM_001386100.1 and 1 more transcripts); c.4507C>T, p.Arg1503Trp (NM_001374734.1); c.2869C>T, p.Arg957Trp (NM_001723.7, NM_015548.5); short protein forms R1323W, R1494W, R1503W, R957W, R1283W, R1461W.
Identifiers: ClinVar variation 853757 (VCV000853757.6), dbSNP rs773459732, ClinGen allele CA3870880.

ClinVar aggregate classification (germline): Uncertain significance (1 of 4 stars; one submission).

Conditions:
Hereditary sensory and autonomic neuropathy type 6. Also called: HSAN VI; Neuropathy, hereditary sensory and autonomic, type VI. Identifiers: Orphanet 314381, MedGen C3539003, MONDO:0013839, OMIM 614653.
Epidermolysis bullosa simplex 3, localized or generalized intermediate, with BP230 deficiency (EBS3). Also called: Epidermolysis bullosa simplex due to BP230 deficiency; Epidermolysis bullosa simplex, autosomal recessive 2. Identifiers: Orphanet 412181, MedGen C3809470, MONDO:0014180, OMIM 615425.

Allele frequency attached by ClinVar (database versions not stated): gnomAD exomes below 0.00001 and 0.00001; ExAC 0.00001; gnomAD 0.00002; TOPMed 0.00003.
gnomAD v4.1: 10 of 1,612,766 alleles (0.00062%); highest among the groups gnomAD compares: African/African-American, 0.004%; no homozygotes.

Submission:

Labcorp Genetics (formerly Invitae), Labcorp
Classification: Uncertain significance for Epidermolysis bullosa simplex 3, localized or generalized intermediate, with BP230 deficiency; Hereditary sensory and autonomic neuropathy type 6. Last evaluated: 2022-03-18. Review status: criteria provided, single submitter. Criteria: Invitae Variant Classification Sherloc (09022015). Collection method: clinical testing. Allele origin: germline.
Comment: In summary, the available evidence is currently insufficient to determine the role of this variant in disease. Therefore, it has been classified as a Variant of Uncertain Significance. Algorithms developed to predict the effect of missense changes on protein structure and function (SIFT, PolyPhen-2, Align-GVGD) all suggest that this variant is likely to be disruptive. ClinVar contains an entry for this variant (Variation ID: 853757). This variant has not been reported in the literature in individuals affected with DST-related conditions. This variant is present in population databases (rs773459732, gnomAD 0.008%). This sequence change replaces arginine, which is basic and polar, with tryptophan, which is neutral and slightly polar, at codon 957 of the DST protein (p.Arg957Trp).